The following is an entry in ClinVar:

NM_001429.4(EP300):c.715C>G (p.Pro239Ala)

Gene: EP300 (EP300 lysine acetyltransferase; plus strand). Cytogenetic location: 22q13.2.
Variant type: single nucleotide variant.
Coding change: c.715C>G on transcript NM_001429.4 (MANE Select); coding-DNA position 715, C replaced by G.
Protein change: p.Pro239Ala; replaces proline 239 with alanine.
Molecular consequence: missense variant.
Genome position (GRCh38, 1-based): chr22:41,117,807, C>G. VCF-style: chr22-41117807-C-G. GRCh37 (hg19) VCF-style: chr22-41513811-C-G.
Other names: c.715C>G, p.Pro239Ala (NM_001362843.2); short protein forms P239A.
Identifiers: ClinVar variation 1202713 (VCV001202713.5), dbSNP rs764511770, ClinGen allele CA10252308.
Genomic context (GRCh38, chr22:41,117,807, plus strand): 5'-CTGACTGAGCCTCTTCAGCAGGGCTCTCCCCAGATGGGAGGACAAACAGGATTGAGAGGC[C>G]CCCAGCCTCTTAAGGTAAGTACAGTTTTGGTTTGTGTGCACAATCGGCATGCATGTGAGT-3'
Protein context (NP_001420.2, residues 229-249): QMGGQTGLRG[Pro239Ala]QPLKMGMMNN

ClinVar aggregate classification (germline): Conflicting classifications of pathogenicity. Review status: criteria provided, conflicting classifications (1 of 4 stars). 2 submissions from 2 submitters: Uncertain significance (1); Likely benign (1). Last evaluated 2025-03-25.

Conditions:
EP300-related disorder. Also called: EP300-related condition; EP300-related disorders.

Allele frequency attached by ClinVar (database versions not stated): ExAC 0.00001; gnomAD 0.00001; gnomAD exomes 0.00001; TOPMed 0.00001.
gnomAD v4.1: 12 of 1,613,892 alleles (0.00074%); highest among the groups gnomAD compares: Non-Finnish European, 0.001%; no homozygotes.

Submissions (2):

PreventionGenetics, part of Exact Sciences
Classification: Uncertain significance for EP300-related condition. Last evaluated: 2025-03-25. Review status: criteria provided, single submitter. Criteria: ACMG Guidelines, 2015. Collection method: clinical testing. Allele origin: germline.
Comment: The EP300 c.715C>G variant is predicted to result in the amino acid substitution p.Pro239Ala. To our knowledge, this variant has not been reported in the literature. This variant is reported in 0.0018% of alleles in individuals of European (Non-Finnish) descent in gnomAD. At this time, the clinical significance of this variant is uncertain due to the absence of conclusive functional and genetic evidence.

GeneDx
Classification: Likely benign. Last evaluated: 2020-06-15. Review status: criteria provided, single submitter. Criteria: GeneDx Variant Classification Process June 2021. Collection method: clinical testing. Allele origin: germline. Affected: yes.